The following is an entry in ClinVar:

NM_001378120.1(MBD5):c.3551T>C (p.Met1184Thr)

Gene: MBD5 (methyl-CpG binding domain protein 5; plus strand). Cytogenetic location: 2q23.1.
Variant type: single nucleotide variant.
Coding change: c.3551T>C on transcript NM_001378120.1 (MANE Select); coding-DNA position 3551, T replaced by C.
Protein change: p.Met1184Thr; replaces methionine 1184 with threonine.
Molecular consequence: missense variant.
Genome position (GRCh38, 1-based): chr2:148,485,748, T>C. VCF-style: chr2-148485748-T-C. GRCh37 (hg19) VCF-style: chr2-149243317-T-C.
Other names: c.2852T>C, p.Met951Thr (NM_018328.5); short protein forms M1184T, M951T.
Identifiers: ClinVar variation 1351026 (VCV001351026.8), dbSNP rs1681317802, ClinGen allele CA348724347.

ClinVar aggregate classification (germline): Uncertain significance (1 of 4 stars; one submission).

Conditions:
Intellectual developmental disorder, autosomal dominant 1. Also called: Intellectual disability, autosomal dominant 1; MBD5 Haploinsufficiency. Identifiers: Orphanet 228402, MedGen C1969562, MONDO:0007974, OMIM 156200.

Submission:

Labcorp Genetics (formerly Invitae), Labcorp
Classification: Uncertain significance for Intellectual developmental disorder, autosomal dominant 1. Last evaluated: 2021-04-16. Review status: criteria provided, single submitter. Criteria: Invitae Variant Classification Sherloc (09022015). Collection method: clinical testing. Allele origin: germline.
Comment: In summary, the available evidence is currently insufficient to determine the role of this variant in disease. Therefore, it has been classified as a Variant of Uncertain Significance. Algorithms developed to predict the effect of missense changes on protein structure and function are either unavailable or do not agree on the potential impact of this missense change (SIFT: "Deleterious"; PolyPhen-2: "Not Available"; Align-GVGD: "Class C55"). This variant has not been reported in the literature in individuals with MBD5-related conditions. This variant is not present in population databases (ExAC no frequency). This sequence change replaces methionine with threonine at codon 951 of the MBD5 protein (p.Met951Thr). The methionine residue is highly conserved and there is a moderate physicochemical difference between methionine and threonine.